The following is an entry in ClinVar:

ClinVar aggregate classification (germline): Likely pathogenic (1 of 4 stars; one submission).

Submission:

Labcorp Genetics (formerly Invitae), Labcorp
Classification: Likely pathogenic. Last evaluated: 2021-06-19. Review status: criteria provided, single submitter. Criteria: Invitae Variant Classification Sherloc (09022015). Collection method: clinical testing. Allele origin: germline.
Comment: This sequence change creates a premature translational stop signal (p.Asp425Glyfs*7) in the PPM1D gene. While this is not anticipated to result in nonsense mediated decay, it is expected to disrupt the last 181 amino acid(s) of the PPM1D protein. In summary, the currently available evidence indicates that the variant is pathogenic, but additional data are needed to prove that conclusively. Therefore, this variant has been classified as Likely Pathogenic. This variant has been observed in individual(s) with clinical features of Jansen de Vries syndrome (Invitae). In at least one individual the variant was observed to be de novo. This variant is not present in population databases (ExAC no frequency).

NM_003620.4(PPM1D):c.1272_1273dup (p.Asp425fs)

Gene: PPM1D (protein phosphatase, Mg2+/Mn2+ dependent 1D; plus strand). Cytogenetic location: 17q23.2.
Variant type: Duplication.
Coding change: c.1272_1273dup on transcript NM_003620.4 (MANE Select); coding-DNA positions 1272 to 1273, 2 bases duplicated (GG; older notation c.1272_1273dupGG).
Protein change: p.Asp425fs; shifts the reading frame from aspartic acid 425.
Molecular consequence: frameshift variant.
Genome position (GRCh38, 1-based): chr17:60,663,006-60,663,007, GG duplicated. VCF-style (leftmost placement, unchanged base first): chr17-60663005-A-AGG. GRCh37 (hg19) VCF-style: chr17-58740366-A-AGG.
Other names: short protein forms D425fs.
Identifiers: ClinVar variation 1468651 (VCV001468651.8), dbSNP rs2143730896, ClinGen allele CA2573154262.
Genomic context (GRCh38, chr17:60,663,005, plus strand): 5'-GAGTTCTGGGATAAATTTTTTCTTATTTGTTTTACCTTCTTATTTTTCAGTCACTGGAGG[A>AGG]GGATCCATGGCCAAGGGTGAATTCTAAGGACCATATACCTGCCCTGGTTCGTAGCAATGC-3'